The following is an entry in ClinVar:

NM_001040436.3(YARS2):c.810C>T (p.Thr270=)

Gene: YARS2 (tyrosyl-tRNA synthetase 2; minus strand). Cytogenetic location: 12p11.21.
Variant type: single nucleotide variant.
Coding change: c.810C>T on transcript NM_001040436.3 (MANE Select); coding-DNA position 810, C replaced by T.
Protein change: p.Thr270=; no amino-acid change (threonine 270 retained).
Molecular consequence: synonymous variant.
Genome position (GRCh38, 1-based): chr12:32,754,055, G>A on the plus strand (C>T on the coding strand, the complement: YARS2 is on the minus strand). VCF-style: chr12-32754055-G-A. GRCh37 (hg19) VCF-style: chr12-32906989-G-A.
Identifiers: ClinVar variation 725129 (VCV000725129.29), dbSNP rs145906298, ClinGen allele CA6508083.
Genomic context (GRCh38, chr12:32,754,055, plus strand): 5'-AACAGCGTTGCCAGCAGACTTTCCCAGCTTTGCTCCAGTTGTACTTGTAATTAGAGGAAC[G>A]GTGATTCCAAATACATCTTCTCCAGTCAACCTACGCATAAAGAACAATTTCATTATGTGC-3'
Protein context (NP_001035526.1, residues 260-280): KLTGEDVFGI[Thr270=]VPLITSTTGA

ClinVar aggregate classification (germline): Conflicting classifications of pathogenicity. Review status: criteria provided, conflicting classifications (1 of 4 stars). 3 submissions from 3 submitters: Uncertain significance (1); Likely benign (2). Last evaluated 2025-12-15.

Conditions:
Myopathy, lactic acidosis, and sideroblastic anemia 2 (MLASA2). Identifiers: Orphanet 2598, MedGen C3150802, MONDO:0013307, OMIM 613561.

Allele frequency attached by ClinVar (database versions not stated): gnomAD 0.00013 and 0.00006; TOPMed 0.00013; gnomAD exomes 0.00017; ESP Exome Variant Server 0.00008; ExAC 0.00013.

Submissions (3):

Labcorp Genetics (formerly Invitae), Labcorp
Classification: Likely benign. Last evaluated: 2025-12-15. Review status: criteria provided, single submitter. Criteria: Invitae Variant Classification Sherloc (09022015). Collection method: clinical testing. Allele origin: germline.

CeGaT Center for Human Genetics Tuebingen
Classification: Likely benign. Last evaluated: 2024-06-01. Review status: criteria provided, single submitter. Criteria: CeGaT Center For Human Genetics Tuebingen Variant Classification Criteria Version 2. Collection method: clinical testing. Allele origin: germline. Affected: yes. Observed: 1 variant allele.
Comment: YARS2: BP4, BP7

Illumina Laboratory Services, Illumina
Classification: Uncertain significance for Myopathy, lactic acidosis, and sideroblastic anemia 2. Last evaluated: 2018-01-13. Review status: criteria provided, single submitter. Criteria: ICSL Variant Classification Criteria 13 December 2019. Collection method: clinical testing. Allele origin: germline.